The following is an entry in ClinVar:

ClinVar aggregate classification (germline): Uncertain significance (1 of 4 stars; one submission).

Conditions:
Inborn genetic diseases. Identifiers: MedGen C0950123, MeSH D030342.

Submission:

Ambry Genetics
Classification: Uncertain significance for Inborn genetic diseases. Last evaluated: 2025-07-12. Review status: criteria provided, single submitter. Criteria: Ambry Variant Classification Scheme 2023. Collection method: clinical testing. Allele origin: germline.
Comment: The p.E871Q variant (also known as c.2611G>C), located in coding exon 15 of the RECQL4 gene, results from a G to C substitution at nucleotide position 2611. The glutamic acid at codon 871 is replaced by glutamine, an amino acid with highly similar properties. This amino acid position is conserved. Based on the available evidence, the clinical significance of this variant remains unclear.

NM_004260.4(RECQL4):c.2611G>C (p.Glu871Gln)

Gene: RECQL4 (RecQ like helicase 4; minus strand). Cytogenetic location: 8q24.3.
Variant type: single nucleotide variant.
Coding change: c.2611G>C on transcript NM_004260.4 (MANE Select); coding-DNA position 2611, G replaced by C.
Protein change: p.Glu871Gln; replaces glutamic acid 871 with glutamine.
Molecular consequence: missense variant. On other transcripts: non-coding transcript variant (3).
Genome position (GRCh38, 1-based): chr8:144,512,991, C>G on the plus strand (G>C on the coding strand, the complement: RECQL4 is on the minus strand). VCF-style: chr8-144512991-C-G. GRCh37 (hg19) VCF-style: chr8-145738374-C-G.
Other names: c.1540G>C, p.Glu514Gln (NM_001413021.1, NM_001413022.1, NM_001413023.1 and 5 more transcripts); c.2482G>C, p.Glu828Gln (NM_001413025.1); c.1474G>C, p.Glu492Gln (NM_001413027.1, NM_001413030.1, NM_001413032.1 and 1 more transcripts); c.2260G>C, p.Glu754Gln (NM_001413029.1); c.1342G>C, p.Glu448Gln (NM_001413031.1, NM_001413038.1); c.2317G>C, p.Glu773Gln (NM_001413017.1); c.2413G>C, p.Glu805Gln (NM_001413018.1); c.2611G>C, p.Glu871Gln (NM_001413019.1, NM_001413036.1); and 6 more; short protein forms E448Q, E470Q, E839Q, E861Q, E382Q, E492Q, E514Q, E754Q.
Identifiers: ClinVar variation 4152377 (VCV004152377.1).